The following is an entry in ClinVar:

ClinVar aggregate classification (germline): Uncertain significance. Review status: criteria provided, multiple submitters, no conflicts (2 of 4 stars). 5 submissions from 5 submitters: Uncertain significance (5). Last evaluated 2026-02-03.

Conditions:
Hereditary cancer-predisposing syndrome. Also called: Tumor predisposition; Hereditary Cancer Syndrome; Hereditary neoplastic syndrome; Neoplastic Syndromes, Hereditary. Identifiers: Orphanet 140162, MedGen C0027672, MeSH D009386, MONDO:0015356.
Hereditary breast ovarian cancer syndrome. Also called: Breast and ovarian cancer; Hereditary breast and ovarian cancer; Hereditary breast and/or ovarian cancer syndrome; BRCA1- and BRCA2-Associated Hereditary Breast and Ovarian Cancer; Hereditary breast and ovarian cancer syndrome (HBOC); Hereditary breast and ovarian cancer syndrome. Identifiers: Orphanet 145, MedGen C0677776, MeSH D061325, MONDO:0003582. Disease mechanism: loss of function.

Allele frequency attached by ClinVar (database versions not stated): gnomAD exomes below 0.00001.
gnomAD v4.1: 2 of 1,574,806 alleles (0.00013%); highest among the groups gnomAD compares: Admixed American, 0.0017%; no homozygotes.

Submissions (5):

Labcorp Genetics (formerly Invitae), Labcorp
Classification: Uncertain significance for Hereditary breast ovarian cancer syndrome. Last evaluated: 2026-02-03. Review status: criteria provided, single submitter. Criteria: Invitae Variant Classification Sherloc (09022015). Collection method: clinical testing. Allele origin: germline.
Comment: This sequence change replaces alanine, which is neutral and non-polar, with serine, which is neutral and polar, at codon 2306 of the BRCA2 protein (p.Ala2306Ser). This variant is present in population databases (rs730881550, gnomAD 0.003%). This variant has not been reported in the literature in individuals affected with BRCA2-related conditions. ClinVar contains an entry for this variant (Variation ID: 182234). Invitae Evidence Modeling of protein sequence and biophysical properties (such as structural, functional, and spatial information, amino acid conservation, physicochemical variation, residue mobility, and thermodynamic stability) indicates that this missense variant is not expected to disrupt BRCA2 protein function with a negative predictive value of 95%. In summary, the available evidence is currently insufficient to determine the role of this variant in disease. Therefore, it has been classified as a Variant of Uncertain Significance.

Ambry Genetics
Classification: Uncertain significance for Hereditary cancer-predisposing syndrome. Last evaluated: 2025-12-07. Review status: criteria provided, single submitter. Criteria: Ambry Variant Classification Scheme 2023. Collection method: clinical testing. Allele origin: germline.
Comment: The p.A2306S variant (also known as c.6916G>T), located in coding exon 11 of the BRCA2 gene, results from a G to T substitution at nucleotide position 6916. The alanine at codon 2306 is replaced by serine, an amino acid with similar properties. This amino acid position is not well conserved in available vertebrate species. In addition, this alteration is predicted to be tolerated by in silico analysis. Since supporting evidence is limited at this time, the clinical significance of this alteration remains unclear.

Women's Health and Genetics/Laboratory Corporation of America, LabCorp
Classification: Uncertain significance. Last evaluated: 2022-04-24. Review status: criteria provided, single submitter. Criteria: LabCorp Variant Classification Summary - May 2015. Collection method: clinical testing. Allele origin: germline.
Comment: Variant summary: BRCA2 c.6916G>T (p.Ala2306Ser) results in a conservative amino acid change in the encoded protein sequence. Four of five in-silico tools predict a benign effect of the variant on protein function. The variant allele was found at a frequency of 4e-06 in 250096 control chromosomes. The available data on variant occurrences in the general population are insufficient to allow any conclusion about variant significance. To our knowledge, no occurrence of c.6916G>T in individuals affected with Hereditary Breast And Ovarian Cancer Syndrome and no experimental evidence demonstrating its impact on protein function have been reported. Three clinical diagnostic laboratories have submitted clinical-significance assessments for this variant to ClinVar after 2014 without evidence for independent evaluation. All laboratories classified the variant as uncertain significance. Based on the evidence outlined above, the variant was classified as uncertain significance.

Sema4
Classification: Uncertain significance for Hereditary cancer-predisposing syndrome. Last evaluated: 2021-12-16. Review status: criteria provided, single submitter. Criteria: Sema4 Curation Guidelines. Collection method: curation. Allele origin: germline.
Comment: The BRCA2 c.6916G>T (p.A2306S) variant has been reported in heterozygosity in one individual with angioimmunoblastic T-cell lymphoma and prostate cancer (PMID: 32442302). This variant was observed in 1/34468 chromosomes in the Latino (AMR) subpopulation in the large and broad cohorts of the Genome Aggregation Database (PMID: 32461654). This variant has been reported in ClinVar (Variation ID: 182234). Functional studies have not been performed, and in silico predictions of the variant's effect on protein function are inconclusive. The evidence is insufficient to meet ACMG/AMP criteria for classifying the variant as benign or pathogenic. Thus, the clinical significance of this variant is currently uncertain.

GeneDx
Classification: Uncertain significance. Last evaluated: 2018-09-14. Review status: criteria provided, single submitter. Criteria: GeneDx Variant Classification (06012015). Collection method: clinical testing. Allele origin: germline. Affected: yes.
Comment: This variant is denoted BRCA2 c.6916G>T at the cDNA level, p.Ala2306Ser (A2306S) at the protein level, and results in the change of an Alanine to a Serine (GCT>TCT). Using alternate nomenclature, this variant would be defined as 7144G>T. This variant has not, to our knowledge, been published in the literature as pathogenic or benign. BRCA2 Ala2306Ser was not observed in approximately 6,500 individuals of European and African American ancestry in the NHLBI Exome Sequencing Project, suggesting it is not a common benign variant in these populations. Since Alanine and Serine differ in polarity, charge, size or other properties, this is considered a non-conservative amino acid substitution. BRCA2 Ala2306Ser occurs at a position that is not conserved and is not located in a known functional domain (Cole 2011). In silico analyses predict that this variant is unlikely to alter protein structure or function. Based on currently available information, it is unclear whether BRCA2 Ala2306Ser is pathogenic or benign. We consider it to be a variant of uncertain significance.

Literature cited by the submitters: PubMed 32442302 (cited by Sema4).

NM_000059.4(BRCA2):c.6916G>T (p.Ala2306Ser)

Gene: BRCA2 (BRCA2 DNA repair associated; plus strand). Cytogenetic location: 13q13.1.
Variant type: single nucleotide variant.
Coding change: c.6916G>T on transcript NM_000059.4 (MANE Select); coding-DNA position 6916, G replaced by T.
Protein change: p.Ala2306Ser; replaces alanine 2306 with serine.
Molecular consequence: missense variant.
Genome position (GRCh38, 1-based): chr13:32,344,632, G>T. VCF-style: chr13-32344632-G-T. GRCh37 (hg19) VCF-style: chr13-32918769-G-T.
Other names: p.A2306S:GCT>TCT; short protein forms A2306S.
Identifiers: ClinVar variation 182234 (VCV000182234.19), dbSNP rs730881550, ClinGen allele CA024555.
Genomic context (GRCh38, chr13:32,344,632, plus strand): 5'-AAAAGAAACTTATTAAATGAATTTGACAGGATAATAGAAAATCAAGAAAAATCCTTAAAG[G>T]CTTCAAAAAGCACTCCAGATGGTAAAATTAGCTTTTTATTTATATCTGTTCTCCCTCTAT-3'
Protein context (NP_000050.3, residues 2296-2316): IIENQEKSLK[Ala2306Ser]SKSTPDGTIK